The following is an entry in ClinVar:

ClinVar aggregate classification (germline): Uncertain significance (1 of 4 stars; one submission).

Conditions:
Primary ciliary dyskinesia. Also called: Ciliary dyskinesia. Identifiers: Orphanet 244, MedGen C0008780, MONDO:0016575, HP:0012265.

Allele frequency attached by ClinVar (database versions not stated): ExAC 0.00001.
gnomAD v4.1: 10 of 1,614,186 alleles (0.00062%); highest among the groups gnomAD compares: Non-Finnish European, 0.00085%; no homozygotes.

Submission:

Ambry Genetics
Classification: Uncertain significance for Primary ciliary dyskinesia. Last evaluated: 2022-08-16. Review status: criteria provided, single submitter. Criteria: Ambry Variant Classification Scheme 2023. Collection method: clinical testing. Allele origin: germline.
Comment: The p.M541I variant (also known as c.1623G>A), located in coding exon 17 of the DNAI1 gene, results from a G to A substitution at nucleotide position 1623. The methionine at codon 541 is replaced by isoleucine, an amino acid with highly similar properties. This amino acid position is conserved. In addition, this alteration is predicted to be tolerated by in silico analysis. Since supporting evidence is limited at this time, the clinical significance of this alteration remains unclear.

NM_012144.4(DNAI1):c.1623G>A (p.Met541Ile)

Gene: DNAI1 (dynein axonemal intermediate chain 1; plus strand). Cytogenetic location: 9p13.3.
Variant type: single nucleotide variant.
Coding change: c.1623G>A on transcript NM_012144.4 (MANE Select); coding-DNA position 1623, G replaced by A.
Protein change: p.Met541Ile; replaces methionine 541 with isoleucine.
Molecular consequence: missense variant.
Genome position (GRCh38, 1-based): chr9:34,514,447, G>A. VCF-style: chr9-34514447-G-A. GRCh37 (hg19) VCF-style: chr9-34514445-G-A.
Other names: c.1635G>A, p.Met545Ile (NM_001281428.2); short protein forms M541I, M545I.
Identifiers: ClinVar variation 1776646 (VCV001776646.2), dbSNP rs775854024, ClinGen allele CA5034484.